The following is an entry in ClinVar:

NM_004656.4(BAP1):c.116G>T (p.Cys39Phe)

Gene: BAP1 (BRCA1 associated deubiquitinase 1; minus strand). Cytogenetic location: 3p21.1.
Variant type: single nucleotide variant.
Coding change: c.116G>T on transcript NM_004656.4 (MANE Select); coding-DNA position 116, G replaced by T.
Protein change: p.Cys39Phe; replaces cysteine 39 with phenylalanine.
Molecular consequence: missense variant.
Genome position (GRCh38, 1-based): chr3:52,409,560, C>A on the plus strand (G>T on the coding strand, the complement: BAP1 is on the minus strand). VCF-style: chr3-52409560-C-A. GRCh37 (hg19) VCF-style: chr3-52443576-C-A.
Other names: c.116G>T, p.Cys39Phe (NM_001410772.1); short protein forms C39F.
Identifiers: ClinVar variation 2840240 (VCV002840240.4), dbSNP rs2153228510, ClinGen allele CA353114502.
Genomic context (GRCh38, chr3:52,409,560, plus strand): 5'-GACCTTCCCCAGCACTCTGGGTGTAAGGGGCAGCCCTGGTGTACAGCCACTCACCCCTGA[C>A]ATTTGCTCTGAAGGTCGTAGATCTCCTCCACTTGCACCCCCTTGACACCTGCGATGAGGA-3'
Protein context (NP_004647.1, residues 29-49): VEEIYDLQSK[Cys39Phe]QGPVYGFIFL

ClinVar aggregate classification (germline): Uncertain significance. Review status: criteria provided, multiple submitters, no conflicts (2 of 4 stars). 2 submissions from 2 submitters: Uncertain significance (2). Last evaluated 2025-08-01.

Conditions:
Hereditary cancer-predisposing syndrome. Also called: Tumor predisposition; Neoplastic Syndromes, Hereditary; Hereditary Cancer Syndrome; Hereditary neoplastic syndrome. Identifiers: Orphanet 140162, MedGen C0027672, MeSH D009386, MONDO:0015356.
BAP1-related tumor predisposition syndrome (TPDS1). Also called: BAP1 tumor predisposition syndrome; Tumor susceptibility linked to germline BAP1 mutations; COMMON Syndrome; TUMOR PREDISPOSITION SYNDROME 1. Identifiers: Orphanet 289539, MedGen C3280492, MONDO:0013692, OMIM 614327.

Submissions (2):

Ambry Genetics
Classification: Uncertain significance for Hereditary cancer-predisposing syndrome. Last evaluated: 2025-08-01. Review status: criteria provided, single submitter. Criteria: Ambry Variant Classification Scheme 2023. Collection method: clinical testing. Allele origin: germline.
Comment: The p.C39F variant (also known as c.116G>T), located in coding exon 3 of the BAP1 gene, results from a G to T substitution at nucleotide position 116. The cysteine at codon 39 is replaced by phenylalanine, an amino acid with highly dissimilar properties. This amino acid position is highly conserved in available vertebrate species. In addition, the in silico prediction for this alteration is inconclusive. Based on the available evidence, the clinical significance of this variant remains unclear.

Labcorp Genetics (formerly Invitae), Labcorp
Classification: Uncertain significance for BAP1-related tumor predisposition syndrome. Last evaluated: 2025-07-31. Review status: criteria provided, single submitter. Criteria: Invitae Variant Classification Sherloc (09022015). Collection method: clinical testing. Allele origin: germline.
Comment: This sequence change replaces cysteine, which is neutral and slightly polar, with phenylalanine, which is neutral and non-polar, at codon 39 of the BAP1 protein (p.Cys39Phe). This variant is not present in population databases (gnomAD no frequency). This variant has not been reported in the literature in individuals affected with BAP1-related conditions. ClinVar contains an entry for this variant (Variation ID: 2840240). Invitae Evidence Modeling of protein sequence and biophysical properties (such as structural, functional, and spatial information, amino acid conservation, physicochemical variation, residue mobility, and thermodynamic stability) indicates that this missense variant is not expected to disrupt BAP1 protein function with a negative predictive value of 80%. In summary, the available evidence is currently insufficient to determine the role of this variant in disease. Therefore, it has been classified as a Variant of Uncertain Significance.